The following is an entry in ClinVar:

ClinVar aggregate classification (germline): Pathogenic. Review status: criteria provided, multiple submitters, no conflicts (2 of 4 stars). 2 submissions from 2 submitters: Pathogenic (2). Last evaluated 2025-12-05.

Conditions:
Inborn genetic diseases. Identifiers: MedGen C0950123, MeSH D030342.

Submissions (2):

Labcorp Genetics (formerly Invitae), Labcorp
Classification: Pathogenic. Last evaluated: 2025-12-05. Review status: criteria provided, single submitter. Criteria: Invitae Variant Classification Sherloc (09022015). Collection method: clinical testing. Allele origin: germline.
Comment: This sequence change creates a premature translational stop signal (p.Gln96*) in the MBD4 gene. It is expected to result in an absent or disrupted protein product. Loss-of-function variants in MBD4 are known to be pathogenic (PMID: 30049810, 35460607). This variant is not present in population databases (gnomAD no frequency). This variant has not been reported in the literature in individuals affected with MBD4-related conditions. ClinVar contains an entry for this variant (Variation ID: 3682181). Algorithms developed to predict the effect of sequence changes on RNA splicing suggest that this variant may disrupt the consensus splice site. For these reasons, this variant has been classified as Pathogenic.

Ambry Genetics
Classification: Pathogenic for Inborn genetic diseases. Last evaluated: 2025-03-18. Review status: criteria provided, single submitter. Criteria: Ambry Variant Classification Scheme 2023. Collection method: clinical testing. Allele origin: germline.
Comment: The p.Q96* pathogenic mutation (also known as c.286C>T), located in coding exon 2 of the MBD4 gene, results from a C to T substitution at nucleotide position 286. This changes the amino acid from a glutamine to a stop codon within coding exon 2. This variant is considered to be rare based on population cohorts in the Genome Aggregation Database (gnomAD). This alteration is expected to result in loss of function by premature protein truncation or nonsense-mediated mRNA decay. As such, this alteration is interpreted as a disease-causing mutation.

Literature cited by the submitters: PubMed 30049810 (cited by Labcorp Genetics (formerly Invitae), Labcorp); PubMed 35460607 (cited by Labcorp Genetics (formerly Invitae), Labcorp).

NM_001276270.2(MBD4):c.286C>T (p.Gln96Ter)

Gene: MBD4 (methyl-CpG binding domain 4, DNA glycosylase; minus strand). Cytogenetic location: 3q21.3.
Variant type: single nucleotide variant.
Coding change: c.286C>T on transcript NM_001276270.2 (MANE Select); coding-DNA position 286, C replaced by T.
Protein change: p.Gln96Ter; replaces glutamine 96 with a stop codon.
Molecular consequence: nonsense. On other transcripts: intron variant (1).
Genome position (GRCh38, 1-based): chr3:129,437,769, G>A on the plus strand (C>T on the coding strand, the complement: MBD4 is on the minus strand). VCF-style: chr3-129437769-G-A. GRCh37 (hg19) VCF-style: chr3-129156612-G-A.
Other names: c.286C>T, p.Gln96Ter (NM_001276271.2, NM_001276272.2, NM_003925.3); c.247+39C>T (NM_001276273.2); short protein forms Q96*.
Identifiers: ClinVar variation 3682181 (VCV003682181.3).